The following is an entry in ClinVar:

NM_001854.4(COL11A1):c.2710-3C>T

Gene: COL11A1 (collagen type XI alpha 1 chain; minus strand). Cytogenetic location: 1p21.1.
Variant type: single nucleotide variant.
Coding change: c.2710-3C>T on transcript NM_001854.4 (MANE Select); 3 bases into the intron before coding-DNA position 2710, C replaced by T.
Molecular consequence: intron variant.
Genome position (GRCh38, 1-based): chr1:102,978,755, G>A on the plus strand (C>T on the coding strand, the complement: COL11A1 is on the minus strand). VCF-style: chr1-102978755-G-A. GRCh37 (hg19) VCF-style: chr1-103444311-G-A.
Other names: c.2593-3C>T (NM_001190709.2); c.2746-3C>T (NM_080629.3); c.2362-3C>T (NM_080630.4).
Identifiers: ClinVar variation 3639781 (VCV003639781.2).

ClinVar aggregate classification (germline): Uncertain significance (1 of 4 stars; one submission).

Submission:

Labcorp Genetics (formerly Invitae), Labcorp
Classification: Uncertain significance. Last evaluated: 2024-02-08. Review status: criteria provided, single submitter. Criteria: Invitae Variant Classification Sherloc (09022015). Collection method: clinical testing. Allele origin: germline.
Comment: This sequence change falls in intron 34 of the COL11A1 gene. It does not directly change the encoded amino acid sequence of the COL11A1 protein. It affects a nucleotide within the consensus splice site. This variant is not present in population databases (gnomAD no frequency). This variant has not been reported in the literature in individuals affected with COL11A1-related conditions. Variants that disrupt the consensus splice site are a relatively common cause of aberrant splicing (PMID: 17576681, 9536098). Algorithms developed to predict the effect of sequence changes on RNA splicing suggest that this variant is not likely to affect RNA splicing. In summary, the available evidence is currently insufficient to determine the role of this variant in disease. Therefore, it has been classified as a Variant of Uncertain Significance.

Literature cited by the submitters: PubMed 17576681; PubMed 9536098.